The following is an entry in ClinVar:

ClinVar aggregate classification (germline): Uncertain significance (1 of 4 stars; one submission).

Allele frequency attached by ClinVar (database versions not stated): gnomAD exomes below 0.00001.
gnomAD v4.1: 1 of 1,614,170 alleles (0.000062%); highest among the groups gnomAD compares: South Asian, 0.0011%; no homozygotes.

Submission:

Labcorp Genetics (formerly Invitae), Labcorp
Classification: Uncertain significance. Last evaluated: 2022-04-30. Review status: criteria provided, single submitter. Criteria: Invitae Variant Classification Sherloc (09022015). Collection method: clinical testing. Allele origin: germline.
Comment: Algorithms developed to predict the effect of missense changes on protein structure and function are either unavailable or do not agree on the potential impact of this missense change (SIFT: "Not Available"; PolyPhen-2: "Probably Damaging"; Align-GVGD: "Not Available"). This sequence change replaces lysine, which is basic and polar, with isoleucine, which is neutral and non-polar, at codon 61 of the POLR1A protein (p.Lys61Ile). This variant is not present in population databases (gnomAD no frequency). This variant has not been reported in the literature in individuals affected with POLR1A-related conditions. In summary, the available evidence is currently insufficient to determine the role of this variant in disease. Therefore, it has been classified as a Variant of Uncertain Significance.

NM_015425.6(POLR1A):c.182A>T (p.Lys61Ile)

Gene: POLR1A (RNA polymerase I subunit A; minus strand). Cytogenetic location: 2p11.2.
Variant type: single nucleotide variant.
Coding change: c.182A>T on transcript NM_015425.6 (MANE Select); coding-DNA position 182, A replaced by T.
Protein change: p.Lys61Ile; replaces lysine 61 with isoleucine.
Molecular consequence: missense variant.
Genome position (GRCh38, 1-based): chr2:86,100,068, T>A on the plus strand (A>T on the coding strand, the complement: POLR1A is on the minus strand). VCF-style: chr2-86100068-T-A. GRCh37 (hg19) VCF-style: chr2-86327191-T-A.
Other names: short protein forms K61I.
Identifiers: ClinVar variation 2132129 (VCV002132129.4), dbSNP rs2466502218, ClinGen allele CA347558025.